The following is an entry in ClinVar:

NM_001355476.2(GOLGA8Q):c.1171G>T (p.Val391Leu)

Gene: GOLGA8Q (golgin A8 family member Q). Cytogenetic location: 15q13.2.
Variant type: single nucleotide variant.
Coding change: c.1171G>T on transcript NM_001355476.2 (MANE Select); coding-DNA position 1171, G replaced by T.
Protein change: p.Val391Leu; replaces valine 391 with leucine.
Molecular consequence: missense variant.
Genome position (GRCh38, 1-based): chr15:30,559,262, G>T. VCF-style: chr15-30559262-G-T. GRCh37 (hg19) VCF-style: chr15-30851465-G-T.
Other names: short protein forms V391L.
Identifiers: ClinVar variation 2645106 (VCV002645106.24), dbSNP rs200785092, ClinGen allele CA7448913.

ClinVar aggregate classification (germline): Likely benign (1 of 4 stars; one submission).

Allele frequency attached by ClinVar (database versions not stated): 1000 Genomes Project 30x 0.00047; 1000 Genomes Project 0.00080; gnomAD exomes 0.00262; ExAC 0.00540.

Submission:

CeGaT Center for Human Genetics Tuebingen
Classification: Likely benign. Last evaluated: 2022-11-01. Review status: criteria provided, single submitter. Criteria: CeGaT Center For Human Genetics Tuebingen Variant Classification Criteria Version 2. Collection method: clinical testing. Allele origin: germline. Affected: yes. Observed: 1 variant allele.
Comment: GOLGA8Q: BP4, BS2